The following is an entry in ClinVar:

NM_001211.6(BUB1B):c.2221G>A (p.Ala741Thr)

Gene: BUB1B (BUB1 mitotic checkpoint serine/threonine kinase B; plus strand). Cytogenetic location: 15q15.1.
Variant type: single nucleotide variant.
Coding change: c.2221G>A on transcript NM_001211.6 (MANE Select); coding-DNA position 2221, G replaced by A.
Protein change: p.Ala741Thr; replaces alanine 741 with threonine.
Molecular consequence: missense variant.
Genome position (GRCh38, 1-based): chr15:40,209,712, G>A. VCF-style: chr15-40209712-G-A. GRCh37 (hg19) VCF-style: chr15-40501913-G-A.
Other names: short protein forms A741T.
Identifiers: ClinVar variation 3262282 (VCV003262282.1).

ClinVar aggregate classification (germline): Uncertain significance (1 of 4 stars; one submission).

Conditions:
Inborn genetic diseases. Identifiers: MedGen C0950123, MeSH D030342.

gnomAD v4.1: 1 of 1,614,164 alleles (0.000062%); highest among the groups gnomAD compares: Non-Finnish European, 0.000085%; no homozygotes.

Submission:

Ambry Genetics
Classification: Uncertain significance for Inborn genetic diseases. Last evaluated: 2024-06-18. Review status: criteria provided, single submitter. Criteria: Ambry Variant Classification Scheme 2023. Collection method: clinical testing. Allele origin: germline.
Comment: The p.A741T variant (also known as c.2221G>A), located in coding exon 17 of the BUB1B gene, results from a G to A substitution at nucleotide position 2221. The alanine at codon 741 is replaced by threonine, an amino acid with similar properties. This amino acid position is conserved. In addition, this alteration is predicted to be tolerated by in silico analysis. Based on the available evidence, the clinical significance of this variant remains unclear.